The following is an entry in ClinVar:

ClinVar aggregate classification (germline): Uncertain significance (1 of 4 stars; one submission).

gnomAD v4.1: 18 of 1,550,786 alleles (0.0012%); highest among the groups gnomAD compares: East Asian, 0.0049%; no homozygotes.

Submission:

Labcorp Genetics (formerly Invitae), Labcorp
Classification: Uncertain significance. Last evaluated: 2022-04-09. Review status: criteria provided, single submitter. Criteria: Invitae Variant Classification Sherloc (09022015). Collection method: clinical testing. Allele origin: germline.
Comment: This sequence change replaces proline, which is neutral and non-polar, with leucine, which is neutral and non-polar, at codon 1040 of the ADAMTS17 protein (p.Pro1040Leu). This variant is present in population databases (no rsID available, gnomAD 0.008%). This variant has not been reported in the literature in individuals affected with ADAMTS17-related conditions. Algorithms developed to predict the effect of missense changes on protein structure and function are either unavailable or do not agree on the potential impact of this missense change (SIFT: "Not Available"; PolyPhen-2: "Probably Damaging"; Align-GVGD: "Not Available"). In summary, the available evidence is currently insufficient to determine the role of this variant in disease. Therefore, it has been classified as a Variant of Uncertain Significance.

NM_139057.4(ADAMTS17):c.3119C>T (p.Pro1040Leu)

Gene: ADAMTS17 (ADAM metallopeptidase with thrombospondin type 1 motif 17; minus strand). Cytogenetic location: 15q26.3.
Variant type: single nucleotide variant.
Coding change: c.3119C>T on transcript NM_139057.4 (MANE Select); coding-DNA position 3119, C replaced by T.
Protein change: p.Pro1040Leu; replaces proline 1040 with leucine.
Molecular consequence: missense variant.
Genome position (GRCh38, 1-based): chr15:99,976,053, G>A on the plus strand (C>T on the coding strand, the complement: ADAMTS17 is on the minus strand). VCF-style: chr15-99976053-G-A. GRCh37 (hg19) VCF-style: chr15-100516258-G-A.
Other names: short protein forms P1040L.
Identifiers: ClinVar variation 1924990 (VCV001924990.5), dbSNP rs1462108167, ClinGen allele CA393692330.